The following is an entry in ClinVar:

ClinVar aggregate classification (germline): Uncertain significance (1 of 4 stars; one submission).

Conditions:
Long QT syndrome (LQTS). Identifiers: MedGen C0023976, MeSH D008133, MONDO:0002442. Disease mechanism: loss of function. Inheritance: Various modes of inheritance.

Submission:

Labcorp Genetics (formerly Invitae), Labcorp
Classification: Uncertain significance for Long QT syndrome. Last evaluated: 2023-10-06. Review status: criteria provided, single submitter. Criteria: Invitae Variant Classification Sherloc (09022015). Collection method: clinical testing. Allele origin: germline.
Comment: This sequence change replaces alanine, which is neutral and non-polar, with valine, which is neutral and non-polar, at codon 3125 of the ANK2 protein (p.Ala3125Val). This variant is not present in population databases (gnomAD no frequency). This variant has not been reported in the literature in individuals affected with ANK2-related conditions. ClinVar contains an entry for this variant (Variation ID: 1936044). An algorithm developed to predict the effect of missense changes on protein structure and function (PolyPhen-2) suggests that this variant is likely to be tolerated. In summary, the available evidence is currently insufficient to determine the role of this variant in disease. Therefore, it has been classified as a Variant of Uncertain Significance.

NM_001148.6(ANK2):c.9374C>T (p.Ala3125Val)

Gene: ANK2 (ankyrin 2; plus strand). Cytogenetic location: 4q26.
Variant type: single nucleotide variant.
Coding change: c.9374C>T on transcript NM_001148.6 (MANE Select); coding-DNA position 9374, C replaced by T.
Protein change: p.Ala3125Val; replaces alanine 3125 with valine.
Molecular consequence: missense variant. On other transcripts: intron variant (68).
Genome position (GRCh38, 1-based): chr4:113,357,992, C>T. VCF-style: chr4-113357992-C-T. GRCh37 (hg19) VCF-style: chr4-114279148-C-T.
Other names: c.9140C>T, p.Ala3047Val (NM_001386142.1); c.5774C>T, p.Ala1925Val (NM_001386166.1); c.9515C>T, p.Ala3172Val (NM_001386174.1); c.9491C>T, p.Ala3164Val (NM_001386175.1); c.4412-2831C>T (NM_001386186.2, NM_001386148.2); c.4214-2831C>T (NM_001354269.3); c.4292-2831C>T (NM_001386187.2); c.4253-2831C>T (NM_001386147.1); and 35 more; short protein forms A3125V, A3172V, A3164V, A1925V, A3047V.
Identifiers: ClinVar variation 1936044 (VCV001936044.5), dbSNP rs1192149193, ClinGen allele CA357937223.